The following is an entry in ClinVar:

NM_006231.4(POLE):c.6853G>T (p.Gly2285Cys)

Gene: POLE (DNA polymerase epsilon, catalytic subunit; minus strand). Cytogenetic location: 12q24.33.
Variant type: single nucleotide variant.
Coding change: c.6853G>T on transcript NM_006231.4 (MANE Select); coding-DNA position 6853, G replaced by T.
Protein change: p.Gly2285Cys; replaces glycine 2285 with cysteine.
Molecular consequence: missense variant.
Genome position (GRCh38, 1-based): chr12:132,624,705, C>A on the plus strand (G>T on the coding strand, the complement: POLE is on the minus strand). VCF-style: chr12-132624705-C-A. GRCh37 (hg19) VCF-style: chr12-133201291-C-A.
Other names: c.6853G>T (NM_006231.2); short protein forms G2285C.
Identifiers: ClinVar variation 649156 (VCV000649156.16), dbSNP rs1245794040, ClinGen allele CA387365561.

ClinVar aggregate classification (germline): Uncertain significance. Review status: criteria provided, multiple submitters, no conflicts (2 of 4 stars). 3 submissions from 3 submitters: Uncertain significance (3). Last evaluated 2026-01-19.

Conditions:
Hereditary cancer-predisposing syndrome. Also called: Neoplastic Syndromes, Hereditary; Tumor predisposition; Hereditary Cancer Syndrome; Hereditary neoplastic syndrome. Identifiers: Orphanet 140162, MedGen C0027672, MeSH D009386, MONDO:0015356.

gnomAD v4.1: 14 of 1,607,024 alleles (0.00087%); highest among the groups gnomAD compares: Non-Finnish European, 0.0012%; no homozygotes.

Submissions (3):

Labcorp Genetics (formerly Invitae), Labcorp
Classification: Uncertain significance. Last evaluated: 2026-01-19. Review status: criteria provided, single submitter. Criteria: Invitae Variant Classification Sherloc (09022015). Collection method: clinical testing. Allele origin: germline.
Comment: This sequence change replaces glycine, which is neutral and non-polar, with cysteine, which is neutral and slightly polar, at codon 2285 of the POLE protein (p.Gly2285Cys). This variant is not present in population databases (gnomAD no frequency). This variant has not been reported in the literature in individuals affected with POLE-related conditions. ClinVar contains an entry for this variant (Variation ID: 649156). An algorithm developed to predict the effect of missense changes on protein structure and function (PolyPhen-2) suggests that this variant is likely to be disruptive. In summary, the available evidence is currently insufficient to determine the role of this variant in disease. Therefore, it has been classified as a Variant of Uncertain Significance.

Ambry Genetics
Classification: Uncertain significance for Hereditary cancer-predisposing syndrome. Last evaluated: 2024-08-02. Review status: criteria provided, single submitter. Criteria: Ambry Variant Classification Scheme 2023. Collection method: clinical testing. Allele origin: germline.
Comment: The p.G2285C variant (also known as c.6853G>T), located in coding exon 49 of the POLE gene, results from a G to T substitution at nucleotide position 6853. The glycine at codon 2285 is replaced by cysteine, an amino acid with highly dissimilar properties. This amino acid position is conserved. In addition, this alteration is predicted to be tolerated by in silico analysis. Since supporting evidence is limited at this time, the clinical significance of this alteration remains unclear.

GeneDx
Classification: Uncertain significance. Last evaluated: 2023-05-25. Review status: criteria provided, single submitter. Criteria: GeneDx Variant Classification Process June 2021. Collection method: clinical testing. Allele origin: germline. Affected: yes.
Comment: Not observed at significant frequency in large population cohorts (gnomAD); In silico analysis supports that this missense variant does not alter protein structure/function; Has not been previously published as pathogenic or benign to our knowledge; This variant is associated with the following publications: (PMID: 31034466, 29056344)